The following is an entry in ClinVar:

ClinVar aggregate classification (germline): Pathogenic (1 of 4 stars; one submission).

Conditions:
Sotos syndrome (SOTOS). Also called: CHROMOSOME 5q35 DELETION SYNDROME; CEREBRAL GIGANTISM; Sotos' syndrome; Distinctive facial appearance, overgrowth in childhood, and learning disabilities or delayed development; SOTOS SYNDROME 1. Identifiers: Orphanet 821, MedGen C0175695, MONDO:0019349, OMIM 117550.

Submission:

3billion
Classification: Pathogenic for Sotos syndrome. Last evaluated: 2025-09-24. Review status: criteria provided, single submitter. Criteria: ACMG Guidelines, 2015. Collection method: clinical testing. Allele origin: germline. Affected: yes.
Comment: The variant is not observed in the gnomAD v4.1.0 dataset. Predicted Consequence/Location: Frameshift: predicted to result in a loss or disruption of normal protein function through nonsense-mediated decay (NMD) or protein truncation. Multiple pathogenic variants are reported downstream of the variant. The variant has been reported to be associated with NSD1-related disorder (PMID: 14627693). Therefore, this variant is classified as Pathogenic according to the recommendation of ACMG/AMP guideline.

Literature cited by the submitters: PubMed 14627693.

NM_022455.5(NSD1):c.3273del (p.Gln1092fs)

Gene: NSD1 (nuclear receptor binding SET domain protein 1; plus strand). Cytogenetic location: 5q35.3.
Variant type: Deletion.
Coding change: c.3273del on transcript NM_022455.5 (MANE Select); coding-DNA position 3273, one base deleted (T; older notation c.3273delT).
Protein change: p.Gln1092fs; shifts the reading frame from glutamine 1092.
Molecular consequence: frameshift variant.
Genome position (GRCh38, 1-based): chr5:177,211,672, T deleted; the last of 2 consecutive T bases (chr5:177,211,671-177,211,672); deleting either gives the same sequence. VCF-style (leftmost placement, unchanged base first): chr5-177211670-CT-C. GRCh37 (hg19) VCF-style: chr5-176638671-CT-C.
Other names: c.2400del, p.Gln801fs (NM_001365684.2, NM_001409306.1, NM_001409307.1 and 3 more transcripts); c.3273del, p.Gln1092fs (NM_001409301.1, NM_001409302.1, NM_001409303.1); c.2853del, p.Gln952fs (NM_001409304.1); c.2520del, p.Gln841fs (NM_001409305.1); short protein forms Q1092fs, Q801fs, Q841fs, Q952fs.
Identifiers: ClinVar variation 4854818 (VCV004854818.1).